The following is an entry in ClinVar:

NM_152594.3(SPRED1):c.1298G>A (p.Cys433Tyr)

Gene: SPRED1 (sprouty related EVH1 domain containing 1; plus strand). Cytogenetic location: 15q14.
Variant type: single nucleotide variant.
Coding change: c.1298G>A on transcript NM_152594.3 (MANE Select); coding-DNA position 1298, G replaced by A.
Protein change: p.Cys433Tyr; replaces cysteine 433 with tyrosine.
Molecular consequence: missense variant.
Genome position (GRCh38, 1-based): chr15:38,351,627, G>A. VCF-style: chr15-38351627-G-A. GRCh37 (hg19) VCF-style: chr15-38643828-G-A.
Other names: c.1298G>A (NM_152594.2); short protein forms C433Y.
Identifiers: ClinVar variation 1046000 (VCV001046000.10), dbSNP rs779454951, ClinGen allele CA7470260.
Genomic context (GRCh38, chr15:38,351,627, plus strand): 5'-TTGTACCATGTATGTGCTGCTACGTCCCTTTGAGAATGTGCCATCGCTGTGGTGAGGCAT[G>A]TGGTTGCTGTGGTGGGAAACATAAAGCTGCTGGATGAAATGGTCCAGTGCCAAAATGAGC-3'
Protein context (NP_689807.1, residues 423-443): LRMCHRCGEA[Cys433Tyr]GCCGGKHKAA

ClinVar aggregate classification (germline): Uncertain significance. Review status: criteria provided, multiple submitters, no conflicts (2 of 4 stars). 2 submissions from 2 submitters: Uncertain significance (2). Last evaluated 2025-11-05.

Conditions:
Legius syndrome. Identifiers: Orphanet 137605, MedGen C1969623, MONDO:0012669, OMIM 611431. Disease mechanism: loss of function.

Allele frequency attached by ClinVar (database versions not stated): gnomAD 0.00001; gnomAD exomes 0.00002 and 0.00007; TOPMed 0.00003; ExAC 0.00007.
gnomAD v4.1: 27 of 1,613,742 alleles (0.0017%); highest among the groups gnomAD compares: Admixed American, 0.025%; no homozygotes.

Submissions (2):

Labcorp Genetics (formerly Invitae), Labcorp
Classification: Uncertain significance for Legius syndrome. Last evaluated: 2025-11-05. Review status: criteria provided, single submitter. Criteria: Invitae Variant Classification Sherloc (09022015). Collection method: clinical testing. Allele origin: germline.
Comment: This sequence change replaces cysteine, which is neutral and slightly polar, with tyrosine, which is neutral and polar, at codon 433 of the SPRED1 protein (p.Cys433Tyr). This variant is present in population databases (rs779454951, gnomAD 0.03%), and has an allele count higher than expected for a pathogenic variant. This variant has not been reported in the literature in individuals affected with SPRED1-related conditions. ClinVar contains an entry for this variant (Variation ID: 1046000). Invitae Evidence Modeling of protein sequence and biophysical properties (such as structural, functional, and spatial information, amino acid conservation, physicochemical variation, residue mobility, and thermodynamic stability) indicates that this missense variant is not expected to disrupt SPRED1 protein function with a negative predictive value of 80%. Experimental studies have shown that this missense change does not substantially affect SPRED1 function (PMID: 19920235). In summary, the available evidence is currently insufficient to determine the role of this variant in disease. Therefore, it has been classified as a Variant of Uncertain Significance.

GeneDx
Classification: Uncertain significance. Last evaluated: 2025-05-14. Review status: criteria provided, single submitter. Criteria: GeneDx Variant Classification Process June 2021. Collection method: clinical testing. Allele origin: germline. Affected: yes.
Comment: Published functional studies demonstrate no damaging effect (PMID: 19920235, 39510187); In silico analysis supports that this missense variant has a deleterious effect on protein structure/function; This variant is associated with the following publications: (PMID: 34121041, 19920235, 39510187)

Literature cited by the submitters: PubMed 19920235 (cited by Labcorp Genetics (formerly Invitae), Labcorp).